The following is an entry in ClinVar:

ClinVar aggregate classification (germline): Uncertain significance (1 of 4 stars; one submission).

Allele frequency attached by ClinVar (database versions not stated): gnomAD 0.00001; gnomAD exomes 0.00001; TOPMed 0.00001.
gnomAD v4.1: 8 of 1,613,276 alleles (0.0005%); highest among the groups gnomAD compares: African/African-American, 0.0013%; no homozygotes.

Submission:

GeneDx
Classification: Uncertain significance. Last evaluated: 2019-06-10. Review status: criteria provided, single submitter. Criteria: GeneDx Variant Classification Process June 2021. Collection method: clinical testing. Allele origin: germline. Affected: yes.
Comment: Not observed in large population cohorts (Lek et al., 2016); In silico analysis, which includes protein predictors and evolutionary conservation, supports a deleterious effect; Has not been previously published as pathogenic or benign to our knowledge

NM_175914.5(HNF4A):c.910C>T (p.Arg304Cys)

Gene: HNF4A (hepatocyte nuclear factor 4 alpha; plus strand). Cytogenetic location: 20q13.12.
Variant type: single nucleotide variant.
Coding change: c.910C>T on transcript NM_175914.5 (MANE Select); coding-DNA position 910, C replaced by T.
Protein change: p.Arg304Cys; replaces arginine 304 with cysteine.
Molecular consequence: missense variant.
Genome position (GRCh38, 1-based): chr20:44,424,101, C>T. VCF-style: chr20-44424101-C-T. GRCh37 (hg19) VCF-style: chr20-43052741-C-T.
Other names: c.976C>T, p.Arg326Cys (NM_000457.6, NM_178849.3, NM_178850.3); c.910C>T, p.Arg304Cys (NM_001030003.3, NM_001030004.3); c.955C>T, p.Arg319Cys (NM_001258355.2); c.901C>T, p.Arg301Cys (NM_001287182.2, NM_001287183.2, NM_001287184.2); short protein forms R301C, R304C, R319C, R326C.
Identifiers: ClinVar variation 1306289 (VCV001306289.2), dbSNP rs1486917678, ClinGen allele CA409108187.